The following is an entry in ClinVar:

NM_000093.5(COL5A1):c.2002G>C (p.Glu668Gln)

Gene: COL5A1 (collagen type V alpha 1 chain; plus strand). Cytogenetic location: 9q34.3.
Variant type: single nucleotide variant.
Coding change: c.2002G>C on transcript NM_000093.5 (MANE Select); coding-DNA position 2002, G replaced by C.
Protein change: p.Glu668Gln; replaces glutamic acid 668 with glutamine.
Molecular consequence: missense variant.
Genome position (GRCh38, 1-based): chr9:134,763,705, G>C. VCF-style: chr9-134763705-G-C. GRCh37 (hg19) VCF-style: chr9-137655551-G-C.
Other names: c.2002G>C, p.Glu668Gln (NM_001278074.1); short protein forms E668Q.
Identifiers: ClinVar variation 1524830 (VCV001524830.6), dbSNP rs764603796, ClinGen allele CA375446389.

ClinVar aggregate classification (germline): Uncertain significance (1 of 4 stars; one submission).

Conditions:
Ehlers-Danlos syndrome, classic type, 1 (EDSCL1). Also called: EHLERS-DANLOS SYNDROME, GRAVIS TYPE; EHLERS-DANLOS SYNDROME, SEVERE CLASSIC TYPE; Ehlers-Danlos syndrome, type 1; Ehlers-Danlos Syndrome, Classic Type, COL5A1-Related; EDS I. Identifiers: MedGen C0268335, MONDO:0019567, OMIM 130000.

Submission:

Labcorp Genetics (formerly Invitae), Labcorp
Classification: Uncertain significance for Ehlers-Danlos syndrome, classic type, 1. Last evaluated: 2021-11-02. Review status: criteria provided, single submitter. Criteria: Invitae Variant Classification Sherloc (09022015). Collection method: clinical testing. Allele origin: germline.
Comment: In summary, the available evidence is currently insufficient to determine the role of this variant in disease. Therefore, it has been classified as a Variant of Uncertain Significance. Advanced modeling of protein sequence and biophysical properties (such as structural, functional, and spatial information, amino acid conservation, physicochemical variation, residue mobility, and thermodynamic stability) performed at Invitae indicates that this missense variant is not expected to disrupt COL5A1 protein function. This variant has not been reported in the literature in individuals affected with COL5A1-related conditions. This variant is not present in population databases (gnomAD no frequency). This sequence change replaces glutamic acid, which is acidic and polar, with glutamine, which is neutral and polar, at codon 668 of the COL5A1 protein (p.Glu668Gln).